The following is an entry in ClinVar:

NC_000022.11:g.40345495T>C

Gene: ADSL (adenylosuccinate lyase; plus strand). Cytogenetic location: 22q13.1.
Variant type: single nucleotide variant.
Genome position: GRCh38 VCF-style: chr22-40345495-T-C. GRCh37 (hg19) VCF-style: chr22-40741499-T-C.
Identifiers: ClinVar variation 1414740 (VCV001414740.6), dbSNP rs2146607102, ClinGen allele CA2573158327.
Genomic context (GRCh38, chr22:40,345,495, plus strand): 5'-CAGCCTCCAAAGTGCTGAGATTATAGGCGTGAGTCACCGTGCCCAGCTGAGACACCTGGC[T>C]CTTACAGCTCCAGATGAACCCTTTCCTGTGTGATCACCCCACTGGCACTCCAGACTGAAC-3'

ClinVar aggregate classification (germline): Uncertain significance (1 of 4 stars; one submission).

Conditions:
Adenylosuccinate lyase deficiency (ADSLD). Also called: ADSL DEFICIENCY. Identifiers: Orphanet 46, MedGen C0268126, MONDO:0007068, OMIM 103050.

Submission:

Labcorp Genetics (formerly Invitae), Labcorp
Classification: Uncertain significance for Adenylosuccinate lyase deficiency. Last evaluated: 2022-09-01. Review status: criteria provided, single submitter. Criteria: Invitae Variant Classification Sherloc (09022015). Collection method: clinical testing. Allele origin: germline.
Comment: In summary, the available evidence is currently insufficient to determine the role of this variant in disease. Therefore, it has been classified as a Variant of Uncertain Significance. Experimental studies and prediction algorithms are not available or were not evaluated, and the functional significance of this variant is currently unknown. This variant has not been reported in the literature in individuals affected with ADSL-related conditions. This variant is not present in population databases (gnomAD no frequency). This variant occurs in a non-coding region of the ADSL gene. It does not change the encoded amino acid sequence of the ADSL protein.